The following is an entry in ClinVar:

ClinVar aggregate classification (germline): Uncertain significance (1 of 4 stars; one submission).

Conditions:
FTL-related disorder. Also called: FTL-related condition.

Submission:

PreventionGenetics, part of Exact Sciences
Classification: Uncertain significance for FTL-related condition. Last evaluated: 2025-06-09. Review status: criteria provided, single submitter. Criteria: ACMG Guidelines, 2015. Collection method: clinical testing. Allele origin: germline.
Comment: The FTL c.80C>T variant is predicted to result in the amino acid substitution p.Ala27Val. This variant was reported in an individual with hyperferritinaemia (Thurlow et al. 2012. PubMed ID: 22535864). This variant has not been reported in a large population database (gnomAD), indicating this variant is rare. At this time, the clinical significance of this variant is uncertain due to the absence of conclusive functional and genetic evidence.

NM_000146.4(FTL):c.80C>T (p.Ala27Val)

Genes: FTL (ferritin light chain; plus strand), LOC130064892 (ATAC-STARR-seq lymphoblastoid active region 14919; plus strand). Cytogenetic location: 19q13.33.
Variant type: single nucleotide variant.
Coding change: c.80C>T on transcript NM_000146.4 (MANE Select); coding-DNA position 80, C replaced by T.
Protein change: p.Ala27Val; replaces alanine 27 with valine.
Molecular consequence: missense variant.
Genome position (GRCh38, 1-based): chr19:48,965,587, C>T. VCF-style: chr19-48965587-C-T. GRCh37 (hg19) VCF-style: chr19-49468844-C-T.
Other names: short protein forms A27V.
Identifiers: ClinVar variation 4999826 (VCV004999826.1).